The following is an entry in ClinVar:

NM_001918.5(DBT):c.34A>G (p.Arg12Gly)

Gene: DBT (dihydrolipoamide branched chain transacylase E2; minus strand). Cytogenetic location: 1p21.2.
Variant type: single nucleotide variant.
Coding change: c.34A>G on transcript NM_001918.5 (MANE Select); coding-DNA position 34, A replaced by G.
Protein change: p.Arg12Gly; replaces arginine 12 with glycine.
Molecular consequence: missense variant.
Genome position (GRCh38, 1-based): chr1:100,249,787, T>C on the plus strand (A>G on the coding strand, the complement: DBT is on the minus strand). VCF-style: chr1-100249787-T-C. GRCh37 (hg19) VCF-style: chr1-100715343-T-C.
Other names: short protein forms R12G.
Identifiers: ClinVar variation 1040605 (VCV001040605.4), dbSNP rs1215222732, ClinGen allele CA341348410.

ClinVar aggregate classification (germline): Uncertain significance. Review status: criteria provided, multiple submitters, no conflicts (2 of 4 stars). 2 submissions from 2 submitters: Uncertain significance (2). Last evaluated 2024-12-01.

Conditions:
Maple syrup urine disease (MSUD). Identifiers: Orphanet 511, MedGen C0024776, MeSH D008375, MONDO:0009563. Disease mechanism: loss of function.

Allele frequency attached by ClinVar (database versions not stated): gnomAD exomes below 0.00001 and 0.00001; gnomAD 0.00002; TOPMed 0.00002.
gnomAD v4.1: 6 of 1,614,110 alleles (0.00037%); highest among the groups gnomAD compares: East Asian, 0.0067%; no homozygotes.

Submissions (2):

Dasa
Classification: Uncertain significance. Last evaluated: 2024-12-01. Review status: criteria provided, single submitter. Criteria: DASA Assertion Criteria. Collection method: clinical testing. Allele origin: germline.
Comment: NM_001918.5(DBT):c.34A>G (p.Arg12Gly) is a missense variant that results in the substitution of arginine with glycine. This variant is rare in population databases. Computational prediction algorithms are consistent with a benign effect. The currently available literature and clinical evidence are not sufficient to establish a definitive association between this variant and the reported condition. Therefore, this variant is classified as a variant of uncertain significance.

Labcorp Genetics (formerly Invitae), Labcorp
Classification: Uncertain significance for Maple syrup urine disease. Last evaluated: 2022-10-17. Review status: criteria provided, single submitter. Criteria: Invitae Variant Classification Sherloc (09022015). Collection method: clinical testing. Allele origin: germline.
Comment: This sequence change replaces arginine, which is basic and polar, with glycine, which is neutral and non-polar, at codon 12 of the DBT protein (p.Arg12Gly). This variant is present in population databases (no rsID available, gnomAD 0.006%). This variant has not been reported in the literature in individuals affected with DBT-related conditions. ClinVar contains an entry for this variant (Variation ID: 1040605). Advanced modeling of protein sequence and biophysical properties (such as structural, functional, and spatial information, amino acid conservation, physicochemical variation, residue mobility, and thermodynamic stability) performed at Invitae indicates that this missense variant is not expected to disrupt DBT protein function. In summary, the available evidence is currently insufficient to determine the role of this variant in disease. Therefore, it has been classified as a Variant of Uncertain Significance.